The following is an entry in ClinVar:

NM_182961.4(SYNE1):c.1948T>G (p.Leu650Val)

Gene: SYNE1 (spectrin repeat containing nuclear envelope protein 1; minus strand). Cytogenetic location: 6q25.2.
Variant type: single nucleotide variant.
Coding change: c.1948T>G on transcript NM_182961.4 (MANE Select); coding-DNA position 1948, T replaced by G.
Protein change: p.Leu650Val; replaces leucine 650 with valine.
Molecular consequence: missense variant.
Genome position (GRCh38, 1-based): chr6:152,463,502, A>C on the plus strand (T>G on the coding strand, the complement: SYNE1 is on the minus strand). VCF-style: chr6-152463502-A-C. GRCh37 (hg19) VCF-style: chr6-152784637-A-C.
Other names: c.1969T>G, p.Leu657Val (NM_033071.5); short protein forms L657V, L650V.
Identifiers: ClinVar variation 1388564 (VCV001388564.6), dbSNP rs2154267666, ClinGen allele CA366124977.

ClinVar aggregate classification (germline): Uncertain significance (1 of 4 stars; one submission).

Conditions:
Emery-Dreifuss muscular dystrophy 4, autosomal dominant (EDMD4). Also called: EMERY-DREIFUSS MUSCULAR DYSTROPHY 4 WITH VARIABLE FEATURES. Identifiers: Orphanet 261, MedGen C2751807, MONDO:0013071, OMIM 612998.
Autosomal recessive ataxia, Beauce type. Also called: SYNE1-Related Autosomal Recessive Cerebellar Ataxia; Spinocerebellar ataxia, autosomal recessive 8; ATAXIA, RECESSIVE, OF BEAUCE; SYNE1 Deficiency. Identifiers: Orphanet 88644, MedGen C1853116, MONDO:0012549, OMIM 610743.

Submission:

Labcorp Genetics (formerly Invitae), Labcorp
Classification: Uncertain significance for Emery-Dreifuss muscular dystrophy 4, autosomal dominant; Autosomal recessive ataxia, Beauce type. Last evaluated: 2022-08-09. Review status: criteria provided, single submitter. Criteria: Invitae Variant Classification Sherloc (09022015). Collection method: clinical testing. Allele origin: germline.
Comment: This variant is not present in population databases (gnomAD no frequency). This sequence change replaces leucine, which is neutral and non-polar, with valine, which is neutral and non-polar, at codon 657 of the SYNE1 protein (p.Leu657Val). In summary, the available evidence is currently insufficient to determine the role of this variant in disease. Therefore, it has been classified as a Variant of Uncertain Significance. Algorithms developed to predict the effect of sequence changes on RNA splicing suggest that this variant may create or strengthen a splice site. Algorithms developed to predict the effect of missense changes on protein structure and function are either unavailable or do not agree on the potential impact of this missense change (SIFT: "Deleterious"; PolyPhen-2: "Probably Damaging"; Align-GVGD: "Class C0"). ClinVar contains an entry for this variant (Variation ID: 1388564). This variant has not been reported in the literature in individuals affected with SYNE1-related conditions.